The following is an entry in ClinVar:

GRCh38/hg38 1p34.3-34.2(chr1:39360747-40900817)x3

Genes: BMP8A (bone morphogenetic protein 8a; plus strand), BMP8B (bone morphogenetic protein 8b; minus strand), BMP8B-AS1 (BMP8B antisense RNA 1; plus strand), CAP1 (cyclase associated actin cytoskeleton regulatory protein 1; plus strand), CITED4 (Cbp/p300 interacting transactivator with ED-rich tail 4; minus strand) and 128 more. Cytogenetic location: 1p34.3-34.2.
Variant type: copy number gain.
Change: copy number 3 (three copies instead of two) of chr1:39,360,747-40,900,817 (1.54 Mb, GRCh38 coordinates, 1-based), cytogenetic band 1p34.3-34.2.
Identifiers: ClinVar variation 58072 (VCV000058072.1).

ClinVar aggregate classification (germline): Pathogenic (1 of 4 stars; one submission).

Submission:

ISCA site 17
Classification: Pathogenic. Last evaluated: 2011-08-12. Review status: criteria provided, single submitter. Criteria: Kaminsky et al. (Genet Med. 2011). Collection method: clinical testing. Allele origin: unknown. Affected: yes. Observed: 1 variant allele.
Comment: Copy number variation identified through the course of routine clinical cytogenomic testing in postnatal populations. Clinical assertions have been curated as described in Kaminsky et al. 2011.